The following is an entry in ClinVar:

NM_000316.3(PTH1R):c.646C>A (p.His216Asn)

Gene: PTH1R (parathyroid hormone 1 receptor; plus strand). Cytogenetic location: 3p21.31.
Variant type: single nucleotide variant.
Coding change: c.646C>A on transcript NM_000316.3 (MANE Select); coding-DNA position 646, C replaced by A.
Protein change: p.His216Asn; replaces histidine 216 with asparagine.
Molecular consequence: missense variant.
Genome position (GRCh38, 1-based): chr3:46,898,669, C>A. VCF-style: chr3-46898669-C-A. GRCh37 (hg19) VCF-style: chr3-46940159-C-A.
Other names: c.646C>A, p.His216Asn (NM_001184744.1); short protein forms H216N.
Identifiers: ClinVar variation 2794120 (VCV002794120.3), dbSNP rs1427006042, ClinGen allele CA352495970.
Genomic context (GRCh38, chr3:46,898,669, plus strand): 5'-ACCCACCGCGCGTCCCCGTGCCCCCACCCACGGTCATGTCGCGCGCCCCGCAGGCGGCTG[C>A]ACTGCACGCGCAACTACATCCACATGCACCTGTTCCTGTCCTTCATGCTGCGCGCCGTGA-3'
Protein context (NP_000307.1, residues 206-226): VLILAYFRRL[His216Asn]CTRNYIHMHL

ClinVar aggregate classification (germline): Uncertain significance (1 of 4 stars; one submission).

Allele frequency attached by ClinVar (database versions not stated): gnomAD exomes below 0.00001; gnomAD 0.00001.
gnomAD v4.1: 4 of 1,612,164 alleles (0.00025%); highest among the groups gnomAD compares: African/African-American, 0.0013%; no homozygotes.

Submission:

Labcorp Genetics (formerly Invitae), Labcorp
Classification: Uncertain significance. Last evaluated: 2023-02-27. Review status: criteria provided, single submitter. Criteria: Invitae Variant Classification Sherloc (09022015). Collection method: clinical testing. Allele origin: germline.
Comment: In summary, the available evidence is currently insufficient to determine the role of this variant in disease. Therefore, it has been classified as a Variant of Uncertain Significance. Advanced modeling of protein sequence and biophysical properties (such as structural, functional, and spatial information, amino acid conservation, physicochemical variation, residue mobility, and thermodynamic stability) performed at Invitae indicates that this missense variant is expected to disrupt PTH1R protein function. This variant has not been reported in the literature in individuals affected with PTH1R-related conditions. This variant is present in population databases (no rsID available, gnomAD 0.01%). This sequence change replaces histidine, which is basic and polar, with asparagine, which is neutral and polar, at codon 216 of the PTH1R protein (p.His216Asn).